The following is an entry in ClinVar:

NM_014491.4(FOXP2):c.119C>A (p.Thr40Asn)

Gene: FOXP2 (forkhead box P2; plus strand). Cytogenetic location: 7q31.1.
Variant type: single nucleotide variant.
Coding change: c.119C>A on transcript NM_014491.4 (MANE Select); coding-DNA position 119, C replaced by A.
Protein change: p.Thr40Asn; replaces threonine 40 with asparagine.
Molecular consequence: missense variant. On other transcripts: non-coding transcript variant (2).
Genome position (GRCh38, 1-based): chr7:114,426,630, C>A. VCF-style: chr7-114426630-C-A. GRCh37 (hg19) VCF-style: chr7-114066685-C-A.
Other names: c.119C>A, p.Thr40Asn (NM_001172766.3, NM_001172767.2, NM_148898.4 and 2 more transcripts); short protein forms T40N.
Identifiers: ClinVar variation 5039853 (VCV005039853.1).

ClinVar aggregate classification (germline): Uncertain significance (1 of 4 stars; one submission).

Submission:

CeGaT Center for Human Genetics Tuebingen
Classification: Uncertain significance. Last evaluated: 2026-07-01. Review status: criteria provided, single submitter. Criteria: CeGaT Center For Human Genetics Tuebingen Variant Classification Criteria Version 2. Collection method: clinical testing. Allele origin: germline. Affected: yes. Observed: 1 variant allele.
Comment: FOXP2: PM2